The following is an entry in ClinVar:

ClinVar aggregate classification (germline): Uncertain significance. Review status: criteria provided, multiple submitters, no conflicts (2 of 4 stars). 2 submissions from 2 submitters: Uncertain significance (2). Last evaluated 2023-06-21.

Conditions:
Neurodevelopmental disorder and structural brain anomalies with or without seizures and spasticity. Identifiers: MedGen C5394423, MONDO:0030046, OMIM 618890.

Allele frequency attached by ClinVar (database versions not stated): gnomAD 0.00002 and 0.00003; 1000 Genomes Project 30x 0.00031; TOPMed 0.00002; ExAC 0.00003; ESP Exome Variant Server 0.00008; 1000 Genomes Project 0.00040.

Submissions (2):

Laboratorio de Genetica e Diagnostico Molecular, Hospital Israelita Albert Einstein
Classification: Uncertain significance for Neurodevelopmental disorder and structural brain anomalies with or without seizures and spasticity. Last evaluated: 2023-06-21. Review status: criteria provided, single submitter. Criteria: ACMG Guidelines, 2015. Collection method: clinical testing. Allele origin: germline. Affected: yes.
Comment: ACMG classification criteria: PM2 supporting

Labcorp Genetics (formerly Invitae), Labcorp
Classification: Uncertain significance. Last evaluated: 2022-07-23. Review status: criteria provided, single submitter. Criteria: Invitae Variant Classification Sherloc (09022015). Collection method: clinical testing. Allele origin: germline.
Comment: This sequence change replaces glycine, which is neutral and non-polar, with arginine, which is basic and polar, at codon 267 of the PTPN23 protein (p.Gly267Arg). This variant is present in population databases (rs146048311, gnomAD 0.008%). This variant has not been reported in the literature in individuals affected with PTPN23-related conditions. ClinVar contains an entry for this variant (Variation ID: 1437300). Algorithms developed to predict the effect of missense changes on protein structure and function are either unavailable or do not agree on the potential impact of this missense change (SIFT: "Deleterious"; PolyPhen-2: "Not Available"; Align-GVGD: "Class C65"). In summary, the available evidence is currently insufficient to determine the role of this variant in disease. Therefore, it has been classified as a Variant of Uncertain Significance.

NM_015466.4(PTPN23):c.799G>A (p.Gly267Arg)

Gene: PTPN23 (protein tyrosine phosphatase non-receptor type 23; plus strand). Cytogenetic location: 3p21.31.
Variant type: single nucleotide variant.
Coding change: c.799G>A on transcript NM_015466.4 (MANE Select); coding-DNA position 799, G replaced by A.
Protein change: p.Gly267Arg; replaces glycine 267 with arginine.
Molecular consequence: missense variant.
Genome position (GRCh38, 1-based): chr3:47,406,742, G>A. VCF-style: chr3-47406742-G-A. GRCh37 (hg19) VCF-style: chr3-47448232-G-A.
Other names: c.421G>A, p.Gly141Arg (NM_001304482.2); short protein forms G141R, G267R.
Identifiers: ClinVar variation 1437300 (VCV001437300.6), dbSNP rs146048311, ClinGen allele CA2365488.